The following is an entry in ClinVar:

ClinVar aggregate classification (germline): Uncertain significance (1 of 4 stars; one submission).

Conditions:
Dilated cardiomyopathy 1DD (CMD1DD). Identifiers: Orphanet 154, MedGen C2750995, MONDO:0013168, OMIM 613172.

Submission:

Labcorp Genetics (formerly Invitae), Labcorp
Classification: Uncertain significance for Dilated cardiomyopathy 1DD. Last evaluated: 2022-07-08. Review status: criteria provided, single submitter. Criteria: Invitae Variant Classification Sherloc (09022015). Collection method: clinical testing. Allele origin: germline.
Comment: In summary, the available evidence is currently insufficient to determine the role of this variant in disease. Therefore, it has been classified as a Variant of Uncertain Significance. Advanced modeling of protein sequence and biophysical properties (such as structural, functional, and spatial information, amino acid conservation, physicochemical variation, residue mobility, and thermodynamic stability) performed at Invitae indicates that this missense variant is not expected to disrupt RBM20 protein function. This variant has not been reported in the literature in individuals affected with RBM20-related conditions. This variant is not present in population databases (gnomAD no frequency). This sequence change replaces histidine, which is basic and polar, with arginine, which is basic and polar, at codon 147 of the RBM20 protein (p.His147Arg).

NM_001134363.3(RBM20):c.440A>G (p.His147Arg)

Gene: RBM20 (RNA binding motif protein 20; plus strand). Cytogenetic location: 10q25.2.
Variant type: single nucleotide variant.
Coding change: c.440A>G on transcript NM_001134363.3 (MANE Select); coding-DNA position 440, A replaced by G.
Protein change: p.His147Arg; replaces histidine 147 with arginine.
Molecular consequence: missense variant.
Genome position (GRCh38, 1-based): chr10:110,781,049, A>G. VCF-style: chr10-110781049-A-G. GRCh37 (hg19) VCF-style: chr10-112540807-A-G.
Other names: short protein forms H147R.
Identifiers: ClinVar variation 2015219 (VCV002015219.4), dbSNP rs2493409995, ClinGen allele CA378380321.
Genomic context (GRCh38, chr10:110,781,049, plus strand): 5'-TGGCCATGTCCCAGCCTCTCTTCAATCAACTGAGGCATCCGTCTGTGATCACTGGCCCCC[A>G]CGGCCATGCTGGGGTTCCCCAACATGCTGCAGCCATACCCAGTACCCGGTTTCCCTCTAA-3'
Protein context (NP_001127835.2, residues 137-157): LRHPSVITGP[His147Arg]GHAGVPQHAA